The following is an entry in ClinVar:

NM_004329.3(BMPR1A):c.434C>T (p.Pro145Leu)

Gene: BMPR1A (bone morphogenetic protein receptor type 1A; plus strand). Cytogenetic location: 10q23.2.
Variant type: single nucleotide variant.
Coding change: c.434C>T on transcript NM_004329.3 (MANE Select); coding-DNA position 434, C replaced by T.
Protein change: p.Pro145Leu; replaces proline 145 with leucine.
Molecular consequence: missense variant.
Genome position (GRCh38, 1-based): chr10:86,900,030, C>T. VCF-style: chr10-86900030-C-T. GRCh37 (hg19) VCF-style: chr10-88659787-C-T.
Other names: short protein forms P145L.
Identifiers: ClinVar variation 628711 (VCV000628711.16), dbSNP rs1564717828, ClinGen allele CA377450058.

ClinVar aggregate classification (germline): Uncertain significance. Review status: criteria provided, multiple submitters, no conflicts (2 of 4 stars). 3 submissions from 3 submitters: Uncertain significance (3). Last evaluated 2026-01-05.

Conditions:
Juvenile polyposis syndrome (JPS). Identifiers: Orphanet 2929, MedGen C0345893, MONDO:0017380, OMIM 174900.
Hereditary cancer-predisposing syndrome. Also called: Tumor predisposition; Neoplastic Syndromes, Hereditary; Hereditary Cancer Syndrome; Hereditary neoplastic syndrome. Identifiers: Orphanet 140162, MedGen C0027672, MeSH D009386, MONDO:0015356.

Submissions (3):

Labcorp Genetics (formerly Invitae), Labcorp
Classification: Uncertain significance for Juvenile polyposis syndrome. Last evaluated: 2026-01-05. Review status: criteria provided, single submitter. Criteria: Invitae Variant Classification Sherloc (09022015). Collection method: clinical testing. Allele origin: germline.
Comment: This sequence change replaces proline, which is neutral and non-polar, with leucine, which is neutral and non-polar, at codon 145 of the BMPR1A protein (p.Pro145Leu). This variant is not present in population databases (gnomAD no frequency). This variant has not been reported in the literature in individuals affected with BMPR1A-related conditions. ClinVar contains an entry for this variant (Variation ID: 628711). Invitae Evidence Modeling of protein sequence and biophysical properties (such as structural, functional, and spatial information, amino acid conservation, physicochemical variation, residue mobility, and thermodynamic stability) has been performed for this missense variant. However, the output from this modeling did not meet the statistical confidence thresholds required to predict the impact of this variant on BMPR1A protein function. In summary, the available evidence is currently insufficient to determine the role of this variant in disease. Therefore, it has been classified as a Variant of Uncertain Significance.

Ambry Genetics
Classification: Uncertain significance for Hereditary cancer-predisposing syndrome. Last evaluated: 2025-04-25. Review status: criteria provided, single submitter. Criteria: Ambry Variant Classification Scheme 2023. Collection method: clinical testing. Allele origin: germline.
Comment: The p.P145L variant (also known as c.434C>T), located in coding exon 5 of the BMPR1A gene, results from a C to T substitution at nucleotide position 434. The proline at codon 145 is replaced by leucine, an amino acid with similar properties. This amino acid position is conserved. In addition, this alteration is predicted to be tolerated by in silico analysis. Based on the available evidence, the clinical significance of this variant remains unclear.

Color Diagnostics, LLC DBA Color Health
Classification: Uncertain significance for Hereditary cancer-predisposing syndrome. Last evaluated: 2025-02-19. Review status: criteria provided, single submitter. Criteria: ACMG Guidelines, 2015. Collection method: clinical testing. Allele origin: germline.
Comment: This missense variant replaces proline with leucine at codon 145 of the BMPR1A protein. Computational prediction suggests that this variant may not impact protein structure and function. To our knowledge, functional studies have not been reported for this variant. This variant has not been reported in individuals affected with BMPR1A-related disorders in the literature. This variant has not been identified in the general population by the Genome Aggregation Database (gnomAD). The available evidence is insufficient to determine the role of this variant in disease conclusively. Therefore, this variant is classified as a Variant of Uncertain Significance.